The following is an entry in ClinVar:

NM_020207.7(ERCC6L2):c.377A>G (p.Tyr126Cys)

Gene: ERCC6L2 (ERCC excision repair 6 like 2; plus strand). Cytogenetic location: 9q22.32.
Variant type: single nucleotide variant.
Coding change: c.377A>G on transcript NM_020207.7 (MANE Select); coding-DNA position 377, A replaced by G.
Protein change: p.Tyr126Cys; replaces tyrosine 126 with cysteine.
Molecular consequence: missense variant. On other transcripts: non-coding transcript variant (1).
Genome position (GRCh38, 1-based): chr9:95,881,199, A>G. VCF-style: chr9-95881199-A-G. GRCh37 (hg19) VCF-style: chr9-98643481-A-G.
Other names: c.377A>G, p.Tyr126Cys (NM_001010895.4, NM_001375291.1, NM_001375292.1 and 2 more transcripts); short protein forms Y126C.
Identifiers: ClinVar variation 4250603 (VCV004250603.1).
Genomic context (GRCh38, chr9:95,881,199, plus strand): 5'-TTAAATTATCTGACAATGGAGACTCTATTCCTTATACCATCAATAGGTATTTGAGAGACT[A>G]CCAAAGAGAAGGAACCCGGTTTCTTTATGGACACTACATCCATGGAGGAGGGTGCATTCT-3'
Protein context (NP_064592.3, residues 116-136): PYTINRYLRD[Tyr126Cys]QREGTRFLYG

ClinVar aggregate classification (germline): Uncertain significance (1 of 4 stars; one submission).

Conditions:
Inborn genetic diseases. Identifiers: MedGen C0950123, MeSH D030342.

gnomAD v4.1: 1 of 1,609,274 alleles (0.000062%); highest among the groups gnomAD compares: African/African-American, 0.0013%; no homozygotes.

Submission:

Ambry Genetics
Classification: Uncertain significance for Inborn genetic diseases. Last evaluated: 2025-07-28. Review status: criteria provided, single submitter. Criteria: Ambry Variant Classification Scheme 2023. Collection method: clinical testing. Allele origin: germline.
Comment: The p.Y126C variant (also known as c.377A>G), located in coding exon 2 of the ERCC6L2 gene, results from an A to G substitution at nucleotide position 377. The tyrosine at codon 126 is replaced by cysteine, an amino acid with highly dissimilar properties. This amino acid position is conserved. In addition, this alteration is predicted to be deleterious by in silico analysis. Based on the available evidence, the clinical significance of this variant remains unclear.